The following is an entry in ClinVar:

ClinVar aggregate classification (germline): Uncertain significance. Review status: criteria provided, multiple submitters, no conflicts (2 of 4 stars). 2 submissions from 2 submitters: Uncertain significance (2). Last evaluated 2025-07-18.

Conditions:
Charcot-Marie-Tooth disease type 2. Also called: Charcot-Marie-Tooth type 2. Identifiers: Orphanet 64746, MedGen C0270914, MONDO:0018993.

gnomAD v4.1: 1 of 1,614,156 alleles (0.000062%); highest among the groups gnomAD compares: Non-Finnish European, 0.000085%; no homozygotes.

Submissions (2):

Ambry Genetics
Classification: Uncertain significance. Last evaluated: 2025-07-18. Review status: criteria provided, single submitter. Criteria: Ambry Variant Classification Scheme 2023. Collection method: clinical testing. Allele origin: germline.
Comment: The p.R1171G variant (also known as c.3511C>G), located in coding exon 31 of the KIF1B gene, results from a C to G substitution at nucleotide position 3511. The arginine at codon 1171 is replaced by glycine, an amino acid with dissimilar properties. This amino acid position is conserved. In addition, the in silico prediction for this alteration is inconclusive. Based on the available evidence, the clinical significance of this variant remains unclear.

Labcorp Genetics (formerly Invitae), Labcorp
Classification: Uncertain significance for Charcot-Marie-Tooth disease type 2. Last evaluated: 2023-01-26. Review status: criteria provided, single submitter. Criteria: Invitae Variant Classification Sherloc (09022015). Collection method: clinical testing. Allele origin: germline.
Comment: This sequence change replaces arginine, which is basic and polar, with glycine, which is neutral and non-polar, at codon 1171 of the KIF1B protein (p.Arg1171Gly). This variant is not present in population databases (gnomAD no frequency). This variant has not been reported in the literature in individuals affected with KIF1B-related conditions. Algorithms developed to predict the effect of missense changes on protein structure and function are either unavailable or do not agree on the potential impact of this missense change (SIFT: "Tolerated"; PolyPhen-2: "Probably Damaging"; Align-GVGD: "Class C15"). In summary, the available evidence is currently insufficient to determine the role of this variant in disease. Therefore, it has been classified as a Variant of Uncertain Significance.

NM_001365951.3(KIF1B):c.3649C>G (p.Arg1217Gly)

Gene: KIF1B (kinesin family member 1B; plus strand). Cytogenetic location: 1p36.22.
Variant type: single nucleotide variant.
Coding change: c.3649C>G on transcript NM_001365951.3 (MANE Select); coding-DNA position 3649, C replaced by G.
Protein change: p.Arg1217Gly; replaces arginine 1217 with glycine.
Molecular consequence: missense variant.
Genome position (GRCh38, 1-based): chr1:10,343,248, C>G. VCF-style: chr1-10343248-C-G. GRCh37 (hg19) VCF-style: chr1-10403306-C-G.
Other names: c.3649C>G, p.Arg1217Gly (NM_001365952.1); c.3511C>G, p.Arg1171Gly (NM_015074.3); short protein forms R1217G, R1171G.
Identifiers: ClinVar variation 2819813 (VCV002819813.4), dbSNP rs763460099, ClinGen allele CA17844126.
Genomic context (GRCh38, chr1:10,343,248, plus strand): 5'-AATAACTCTTTATAGTCTTGATCTTTGTCTTCCTTTCTTTGCAGTCCGCCTCAGCCGTGC[C>G]GCCGATTCTTCCCTCCACCCATGCCACTGTCCAAGCCAGGTGAGCACTCGCTCCGCTTTT-3'
Protein context (NP_001352880.1, residues 1207-1227): QELNSPPQPC[Arg1217Gly]RFFPPPMPLS